The following is an entry in ClinVar:

ClinVar aggregate classification (germline): Uncertain significance. Review status: criteria provided, multiple submitters, no conflicts (2 of 4 stars). 2 submissions from 2 submitters: Uncertain significance (2). Last evaluated 2025-09-27.

Conditions:
RASopathy. Also called: rasopathies; Noonan spectrum disorder. Identifiers: Orphanet 536391, MedGen C5555857, MONDO:0021060.
Cardiofaciocutaneous syndrome 4 (CFC4). Also called: MAP2K2-Related Cardiofaciocutaneous Syndrome. Identifiers: Orphanet 1340, MedGen C3809007, MONDO:0014114, OMIM 615280.

Allele frequency attached by ClinVar (database versions not stated): TOPMed below 0.00001; gnomAD 0.00001; ESP Exome Variant Server 0.00008; gnomAD exomes 0.00001; ExAC 0.00004.
gnomAD v4.1: 8 of 1,565,708 alleles (0.00051%); highest among the groups gnomAD compares: African/African-American, 0.0014%; no homozygotes.

Submissions (2):

Labcorp Genetics (formerly Invitae), Labcorp
Classification: Uncertain significance for RASopathy. Last evaluated: 2025-09-27. Review status: criteria provided, single submitter. Criteria: Invitae Variant Classification Sherloc (09022015). Collection method: clinical testing. Allele origin: germline.
Comment: This sequence change replaces threonine, which is neutral and polar, with methionine, which is neutral and non-polar, at codon 230 of the MAP2K2 protein (p.Thr230Met). The frequency data for this variant in the population databases is considered unreliable, as metrics indicate poor data quality at this position in the gnomAD database. This variant has not been reported in the literature in individuals affected with MAP2K2-related conditions. ClinVar contains an entry for this variant (Variation ID: 859496). Invitae Evidence Modeling incorporating data from in vitro experimental studies (internal data) indicates that this missense variant is not expected to disrupt MAP2K2 function with a negative predictive value of 95%. In summary, the available evidence is currently insufficient to determine the role of this variant in disease. Therefore, it has been classified as a Variant of Uncertain Significance.

Clinical Genomics Laboratory, Washington University in St. Louis
Classification: Uncertain significance for Cardiofaciocutaneous syndrome 4. Last evaluated: 2025-07-09. Review status: criteria provided, single submitter. Criteria: ACMG Guidelines, 2015. Collection method: clinical testing. Allele origin: germline.
Comment: A MAP2K2 c.689C>T (p.Thr230Met) variant was identified at a near heterozygous allelic fraction of 43%, a frequency which may be consistent with germline origin. This variant, to our knowledge, has not been reported in the medical literature in a germline state, but has been reported in the ClinVar database as a variant of uncertain significance by one submitter (ClinVar variation ID: 859496). It occurs in 8/1,565,708 alleles in the general population (gnomAD v.4.1.0). Computational predictors indicate that the variant is damaging, evidence that correlates with impact to MAP2K2 function. Due to limited information, and based on ACMG/AMP guidelines for variant interpretation (Richards S et al., PMID: 25741868) and gene specific practices from the ClinGen specification registry (Gelb BD et al., PMID: 29493581), the clinical significance of this variant is uncertain at this time.

NM_030662.4(MAP2K2):c.689C>T (p.Thr230Met)

Gene: MAP2K2 (mitogen-activated protein kinase kinase 2; minus strand). Cytogenetic location: 19p13.3.
Variant type: single nucleotide variant.
Coding change: c.689C>T on transcript NM_030662.4 (MANE Select); coding-DNA position 689, C replaced by T.
Protein change: p.Thr230Met; replaces threonine 230 with methionine.
Molecular consequence: missense variant.
Genome position (GRCh38, 1-based): chr19:4,101,035, G>A on the plus strand (C>T on the coding strand, the complement: MAP2K2 is on the minus strand). VCF-style: chr19-4101035-G-A. GRCh37 (hg19) VCF-style: chr19-4101033-G-A.
Other names: short protein forms T230M.
Identifiers: ClinVar variation 859496 (VCV000859496.10), dbSNP rs369714097, ClinGen allele CA9090856.